The following is an entry in ClinVar:

ClinVar aggregate classification (germline): Uncertain significance. Review status: criteria provided, multiple submitters, no conflicts (2 of 4 stars). 2 submissions from 2 submitters: Uncertain significance (2). Last evaluated 2024-04-15.

Conditions:
Familial cancer of breast. Also called: BREAST CANCER, FAMILIAL; Hereditary breast cancer; hereditary breast carcinoma. Identifiers: Orphanet 227535, MedGen C0346153, MONDO:0016419, OMIM 114480. Disease mechanism: loss of function.

Allele frequency attached by ClinVar (database versions not stated): TOPMed below 0.00001; gnomAD 0.00001.
gnomAD v4.1: 1 of 1,611,264 alleles (0.000062%); highest among the groups gnomAD compares: African/African-American, 0.0013%; no homozygotes.

Submissions (2):

Labcorp Genetics (formerly Invitae), Labcorp
Classification: Uncertain significance for Familial cancer of breast. Last evaluated: 2024-04-15. Review status: criteria provided, single submitter. Criteria: Invitae Variant Classification Sherloc (09022015). Collection method: clinical testing. Allele origin: germline.
Comment: This sequence change replaces serine, which is neutral and polar, with threonine, which is neutral and polar, at codon 37 of the BARD1 protein (p.Ser37Thr). This variant is present in population databases (no rsID available, gnomAD 0.01%). This variant has not been reported in the literature in individuals affected with BARD1-related conditions. ClinVar contains an entry for this variant (Variation ID: 850760). An algorithm developed to predict the effect of missense changes on protein structure and function (PolyPhen-2) suggests that this variant is likely to be tolerated. In summary, the available evidence is currently insufficient to determine the role of this variant in disease. Therefore, it has been classified as a Variant of Uncertain Significance.

GeneDx
Classification: Uncertain significance. Last evaluated: 2019-06-28. Review status: criteria provided, single submitter. Criteria: GeneDx Variant Classification Process June 2021. Collection method: clinical testing. Allele origin: germline. Affected: yes.
Comment: Not observed at a significant frequency in large population cohorts (Lek et al., 2016); Has not been previously published as pathogenic or benign to our knowledge

NM_000465.4(BARD1):c.110G>C (p.Ser37Thr)

Gene: BARD1 (BRCA1 associated RING domain 1; minus strand). Cytogenetic location: 2q35.
Variant type: single nucleotide variant.
Coding change: c.110G>C on transcript NM_000465.4 (MANE Select); coding-DNA position 110, G replaced by C.
Protein change: p.Ser37Thr; replaces serine 37 with threonine.
Molecular consequence: missense variant. On other transcripts: non-coding transcript variant (3).
Genome position (GRCh38, 1-based): chr2:214,809,460, C>G on the plus strand (G>C on the coding strand, the complement: BARD1 is on the minus strand). VCF-style: chr2-214809460-C-G. GRCh37 (hg19) VCF-style: chr2-215674184-C-G.
Other names: c.110G>C, p.Ser37Thr (NM_001282543.2, NM_001282545.2, NM_001282548.2 and 1 more transcripts); short protein forms S37T.
Identifiers: ClinVar variation 850760 (VCV000850760.12), dbSNP rs1283611933, ClinGen allele CA350464987.